The following is an entry in ClinVar:

ClinVar aggregate classification (germline): Uncertain significance. Review status: criteria provided, multiple submitters, no conflicts (2 of 4 stars). 2 submissions from 2 submitters: Uncertain significance (2). Last evaluated 2025-05-13.

Conditions:
Intellectual disability, CASK-related, X-linked. Identifiers: MedGen CN043158.

Submissions (2):

Labcorp Genetics (formerly Invitae), Labcorp
Classification: Uncertain significance for Intellectual disability, CASK-related, X-linked. Last evaluated: 2025-05-13. Review status: criteria provided, single submitter. Criteria: Invitae Variant Classification Sherloc (09022015). Collection method: clinical testing. Allele origin: germline.
Comment: This sequence change replaces histidine, which is basic and polar, with glutamine, which is neutral and polar, at codon 71 of the CASK protein (p.His71Gln). This variant is not present in population databases (gnomAD no frequency). This variant has not been reported in the literature in individuals affected with CASK-related conditions. ClinVar contains an entry for this variant (Variation ID: 3392595). Invitae Evidence Modeling of protein sequence and biophysical properties (such as structural, functional, and spatial information, amino acid conservation, physicochemical variation, residue mobility, and thermodynamic stability) indicates that this missense variant is not expected to disrupt CASK protein function with a negative predictive value of 80%. In summary, the available evidence is currently insufficient to determine the role of this variant in disease. Therefore, it has been classified as a Variant of Uncertain Significance.

GeneDx
Classification: Uncertain significance. Last evaluated: 2024-06-25. Review status: criteria provided, single submitter. Criteria: GeneDx Variant Classification Process June 2021. Collection method: clinical testing. Allele origin: germline. Affected: yes.
Comment: Not observed at significant frequency in large population cohorts (gnomAD); In silico analysis supports that this missense variant has a deleterious effect on protein structure/function; Has not been previously published as pathogenic or benign to our knowledge

NM_001367721.1(CASK):c.213T>A (p.His71Gln)

Gene: CASK (calcium/calmodulin dependent serine protein kinase; minus strand). Cytogenetic location: Xp11.4.
Variant type: single nucleotide variant.
Coding change: c.213T>A on transcript NM_001367721.1 (MANE Select); coding-DNA position 213, T replaced by A.
Protein change: p.His71Gln; replaces histidine 71 with glutamine.
Molecular consequence: missense variant.
Genome position (GRCh38, 1-based): chrX:41,787,243, A>T on the plus strand (T>A on the coding strand, the complement: CASK is on the minus strand). VCF-style: chrX-41787243-A-T. GRCh37 (hg19) VCF-style: chrX-41646496-A-T.
Other names: c.213T>A, p.His71Gln (NM_001126054.3, NM_001126055.3, NM_001410745.1 and 1 more transcripts); short protein forms H71Q.
Identifiers: ClinVar variation 3392595 (VCV003392595.2).
Genomic context (GRCh38, chrX:41,787,243, plus strand): 5'-GAAAACCATGTAAAGCATTCCATCTGAGCTATATGTCTCCAATAACTCTACAATGTGTGG[A>T]TGTTTCAGCATATGACAGATACTGGCTTCCCGCTTTAGATCTGTAAAACAAACATACAGC-3'
Protein context (NP_001354650.1, residues 61-81): REASICHMLK[His71Gln]PHIVELLETY